The following is an entry in ClinVar:

NM_003797.5(EED):c.1199+10T>C

Gene: EED (embryonic ectoderm development; plus strand). Cytogenetic location: 11q14.2.
Variant type: single nucleotide variant.
Coding change: c.1199+10T>C on transcript NM_003797.5 (MANE Select); 10 bases into the intron after coding-DNA position 1199, T replaced by C.
Molecular consequence: intron variant.
Genome position (GRCh38, 1-based): chr11:86,278,001, T>C. VCF-style: chr11-86278001-T-C. GRCh37 (hg19) VCF-style: chr11-85989043-T-C.
Other names: c.1274+10T>C (NM_001308007.2); c.959+10T>C (NM_001330334.2).
Identifiers: ClinVar variation 766911 (VCV000766911.12), dbSNP rs79218214, ClinGen allele CA6216585.
Genomic context (GRCh38, chr11:86,278,001, plus strand): 5'-TGGCAAACTTTATGTTTGGGATTTAGAAGTAGAAGATCCTCATAAAGCCAAGTAAGTATT[T>C]AGAAATTTCTGTTCAAAATTTCAGGCTTTTTCTCCACACTTGTATGCCAATGTAGAGAAG-3'

ClinVar aggregate classification (germline): Benign. Review status: criteria provided, single submitter (1 of 4 stars). 2 submissions from 2 submitters: Benign (1). 1 of the submissions does not count toward it. Last evaluated 2024-02-15.

Conditions:
EED-related disorder. Also called: EED-related condition.
Cohen-Gibson syndrome (COGIS). Also called: EED-Related Overgrowth. Identifiers: Orphanet 659396, MedGen C4479654, MONDO:0060510, OMIM 617561.

Allele frequency attached by ClinVar (database versions not stated): gnomAD 0.00017 and 0.00024; gnomAD exomes 0.00017 and 0.00047; TOPMed 0.00043; ExAC 0.00048; 1000 Genomes Project 30x 0.00078; 1000 Genomes Project 0.00080.
gnomAD v4.1: 264 of 1,508,272 alleles (0.018%); highest among the groups gnomAD compares: East Asian, 0.53%; 1 homozygote.

Submissions (2):

Labcorp Genetics (formerly Invitae), Labcorp
Classification: Benign for Cohen-Gibson syndrome. Last evaluated: 2024-02-15. Review status: criteria provided, single submitter. Criteria: Invitae Variant Classification Sherloc (09022015). Collection method: clinical testing. Allele origin: germline.

PreventionGenetics, part of Exact Sciences
Classification: Likely benign for EED-related condition. Last evaluated: 2024-07-11. Review status: no assertion criteria provided. Collection method: clinical testing. Allele origin: germline. Not counted in ClinVar's aggregate classification.
Comment: This variant is classified as likely benign based on ACMG/AMP sequence variant interpretation guidelines (Richards et al. 2015 PMID: 25741868, with internal and published modifications).